The following is an entry in ClinVar:

ClinVar aggregate classification (germline): Likely pathogenic (1 of 4 stars; one submission).

Conditions:
Retinitis pigmentosa 25 (RP25). Identifiers: Orphanet 791, MedGen C1864446, MONDO:0011272, OMIM 602772.

Submission:

3billion
Classification: Likely pathogenic for Retinitis pigmentosa 25. Last evaluated: 2023-09-15. Review status: criteria provided, single submitter. Criteria: ACMG Guidelines, 2015. Collection method: clinical testing. Allele origin: germline. Affected: yes.
Comment: The variant is not observed in the gnomAD v2.1.1 dataset. Predicted Consequence/Location: Frameshift: predicted to result in a loss or disruption of normal protein function through protein truncation. Multiple pathogenic variants are reported in the predicted truncated region. Therefore, this variant is classified as Likely pathogenic according to the recommendation of ACMG/AMP guideline.

NM_001142800.2(EYS):c.8326_8335del (p.Val2776fs)

Genes: EYS (eyes shut homolog; minus strand), PHF3 (PHD finger protein 3; plus strand). Cytogenetic location: 6q12.
Variant type: Deletion.
Coding change: c.8326_8335del on transcript NM_001142800.2 (MANE Select); coding-DNA positions 8326 to 8335, 10 bases deleted (GTAACTATAA; older notation c.8326_8335delGTAACTATAA).
Protein change: p.Val2776fs; shifts the reading frame from valine 2776.
Molecular consequence: frameshift variant. On other transcripts: 3 prime UTR variant (5).
Genome position (GRCh38, 1-based): chr6:63,721,696-63,721,705, TTATAGTTAC deleted on the plus strand (GTAACTATAA on the coding strand, the reverse complement: EYS is on the minus strand); deleting any 10 consecutive bases within chr6:63,721,696-63,721,707 gives the same sequence; the c. name uses the placement nearest the transcript's 3' end. VCF-style (leftmost placement, unchanged base first): chr6-63721695-TTTATAGTTAC-T. GRCh37 (hg19) VCF-style: chr6-64431591-TTTATAGTTAC-T.
Other names: c.*7990_*7999del (NM_001290259.2, NM_001370348.2, NM_001370349.2 and 2 more transcripts); c.8389_8398del, p.Val2797fs (NM_001292009.2); short protein forms V2776fs, V2797fs.
Identifiers: ClinVar variation 3776260 (VCV003776260.1).